The following is an entry in ClinVar:

NM_000384.3(APOB):c.8528_8531dup (p.Phe2845fs)

Gene: APOB (apolipoprotein B; minus strand). Cytogenetic location: 2p24.1.
Variant type: Duplication.
Coding change: c.8528_8531dup on transcript NM_000384.3 (MANE Select); coding-DNA positions 8528 to 8531, 4 bases duplicated (TGCT; older notation c.8528_8531dupTGCT).
Protein change: p.Phe2845fs; shifts the reading frame from phenylalanine 2845.
Molecular consequence: frameshift variant.
Genome position (GRCh38, 1-based): chr2:21,008,337-21,008,340, AGCA duplicated on the plus strand (TGCT on the coding strand, the reverse complement: APOB is on the minus strand). VCF-style (leftmost placement, unchanged base first): chr2-21008336-C-CAGCA. GRCh37 (hg19) VCF-style: chr2-21231208-C-CAGCA.
Other names: short protein forms F2845fs.
Identifiers: ClinVar variation 1455782 (VCV001455782.6), dbSNP rs2103354225, ClinGen allele CA2573134398.
Genomic context (GRCh38, chr2:21,008,336, plus strand): 5'-TTTTTCTGTGTGTAAACTTGCCACTGTGTTTGATTTTCCCTCAATAGCATTTCCAAAAAA[C>CAGCA]AGCATTTCACTCCCATGCTCCGTTCTCAGGTACTTGCTGGAGAACTTCACTGACTCCTTC-3'

ClinVar aggregate classification (germline): Pathogenic (1 of 4 stars; one submission).

Conditions:
Familial hypobetalipoproteinemia 1. Also called: APOB-Related Familial Hypobetalipoproteinemia; Hypobetalipoproteinemia, normotriglyceridemic; Acanthocytosis with hypobetalipoproteinemia. Identifiers: MedGen C4551990, MONDO:0014252, OMIM 615558.
Hypercholesterolemia, autosomal dominant, type B (FHCL2). Also called: Familial Hypercholesterolemia Type B; APOLIPOPROTEIN B-100, FAMILIAL DEFECTIVE; APOLIPOPROTEIN B-100, FAMILIAL LIGAND-DEFECTIVE; HYPERCHOLESTEROLEMIA, FAMILIAL, DUE TO LIGAND-DEFECTIVE APOLIPOPROTEIN B; Familial hypercholesterolemia 2; Hyperlipoproteinemia Type IIb. Identifiers: MedGen C1704417, MONDO:0007751, OMIM 144010.

Submission:

Labcorp Genetics (formerly Invitae), Labcorp
Classification: Pathogenic for Familial hypobetalipoproteinemia 1; Hypercholesterolemia, autosomal dominant, type B. Last evaluated: 2021-08-18. Review status: criteria provided, single submitter. Criteria: Invitae Variant Classification Sherloc (09022015). Collection method: clinical testing. Allele origin: germline.
Comment: This sequence change creates a premature translational stop signal (p.Phe2845Alafs*8) in the APOB gene. It is expected to result in an absent or disrupted protein product. Loss-of-function variants in APOB are known to be pathogenic (PMID: 20032471). This variant is not present in population databases (ExAC no frequency). This variant has not been reported in the literature in individuals affected with APOB-related conditions. For these reasons, this variant has been classified as Pathogenic.

Literature cited by the submitters: PubMed 20032471.